The following is an entry in ClinVar:

NM_000217.3(KCNA1):c.861C>T (p.Ser287=)

Gene: KCNA1 (potassium voltage-gated channel subfamily A member 1; plus strand). Cytogenetic location: 12p13.32.
Variant type: single nucleotide variant.
Coding change: c.861C>T on transcript NM_000217.3 (MANE Select); coding-DNA position 861, C replaced by T.
Protein change: p.Ser287=; no amino-acid change (serine 287 retained).
Molecular consequence: synonymous variant.
Genome position (GRCh38, 1-based): chr12:4,912,239, C>T. VCF-style: chr12-4912239-C-T. GRCh37 (hg19) VCF-style: chr12-5021405-C-T.
Identifiers: ClinVar variation 2728232 (VCV002728232.10), dbSNP rs1947356955, ClinGen allele CA478094526.

ClinVar aggregate classification (germline): Likely benign. Review status: criteria provided, multiple submitters, no conflicts (2 of 4 stars). 2 submissions from 2 submitters: Likely benign (2). Last evaluated 2025-04-01.

Conditions:
Episodic ataxia type 1 (EA1). Also called: ATAXIA, EPISODIC, WITH MYOKYMIA; MYOKYMIA WITH PERIODIC ATAXIA; PAROXYSMAL ATAXIA WITH NEUROMYOTONIA, HEREDITARY; Episodic ataxia/myokymia syndrome. Identifiers: Orphanet 37612, Orphanet 972, MedGen C1719788, MONDO:0008047, OMIM 160120.

Submissions (2):

CeGaT Center for Human Genetics Tuebingen
Classification: Likely benign. Last evaluated: 2025-04-01. Review status: criteria provided, single submitter. Criteria: CeGaT Center For Human Genetics Tuebingen Variant Classification Criteria Version 2. Collection method: clinical testing. Allele origin: germline. Affected: yes. Observed: 1 variant allele.
Comment: KCNA1: PM2:Supporting, BP4, BP7

Labcorp Genetics (formerly Invitae), Labcorp
Classification: Likely benign for Episodic ataxia type 1. Last evaluated: 2023-05-09. Review status: criteria provided, single submitter. Criteria: Invitae Variant Classification Sherloc (09022015). Collection method: clinical testing. Allele origin: germline.